The following is an entry in ClinVar:

NM_001614.5(ACTG1):c.-6-13C>T

Gene: ACTG1 (actin gamma 1; minus strand). Cytogenetic location: 17q25.3.
Variant type: single nucleotide variant.
Coding change: c.-6-13C>T on transcript NM_001614.5 (MANE Select); 13 bases into the intron before 6 bases upstream of the start codon, C replaced by T.
Molecular consequence: intron variant.
Genome position (GRCh38, 1-based): chr17:81,512,373, G>A on the plus strand (C>T on the coding strand, the complement: ACTG1 is on the minus strand). VCF-style: chr17-81512373-G-A. GRCh37 (hg19) VCF-style: chr17-79479399-G-A.
Other names: c.-6-13C>T (NM_001199954.3).
Identifiers: ClinVar variation 1199925 (VCV001199925.5), dbSNP rs200070347, ClinGen allele CA8836443.

ClinVar aggregate classification (germline): Conflicting classifications of pathogenicity. Review status: criteria provided, conflicting classifications (1 of 4 stars). 3 submissions from 3 submitters: Uncertain significance (1); Likely benign (2). Last evaluated 2025-11-11.

Allele frequency attached by ClinVar (database versions not stated): ExAC 0.00004; 1000 Genomes Project 30x 0.00016; 1000 Genomes Project 0.00020.

Submissions (3):

Women's Health and Genetics/Laboratory Corporation of America, LabCorp
Classification: Uncertain significance. Last evaluated: 2025-11-11. Review status: criteria provided, single submitter. Criteria: LabCorp Variant Classification Summary - May 2015. Collection method: clinical testing. Allele origin: germline.
Comment: Variant summary: ACTG1 c.-6-13C>T is located in the untranslated mRNA region upstream of the initiation codon. Consensus agreement among computation tools predict no significant impact on normal splicing. However, these predictions have yet to be confirmed by functional studies. The variant allele was found at a frequency of 4.4e-05 in 251240 control chromosomes. This frequency is not significantly higher than estimated for disease-causing variants in ACTG1, allowing no conclusion about variant significance. To our knowledge, no occurrence of c.-6-13C>T in individuals affected with ACTG1-related conditions and no experimental evidence demonstrating its impact on protein function have been reported. ClinVar contains an entry for this variant (Variation ID: 1199925). Based on the evidence outlined above, the variant was classified as uncertain significance.

Blueprint Genetics
Classification: Likely benign. Last evaluated: 2024-10-23. Review status: criteria provided, single submitter. Criteria: ACMG Guidelines, 2015. Collection method: clinical testing. Allele origin: germline.

GeneDx
Classification: Likely benign. Last evaluated: 2020-06-24. Review status: criteria provided, single submitter. Criteria: GeneDx Variant Classification Process June 2021. Collection method: clinical testing. Allele origin: germline. Affected: yes.